The following is an entry in ClinVar:

NM_002225.5(IVD):c.*2559G>A

Gene: IVD (isovaleryl-CoA dehydrogenase; plus strand). Cytogenetic location: 15q15.1.
Variant type: single nucleotide variant.
Coding change: c.*2559G>A on transcript NM_002225.5 (MANE Select); 2559 bases downstream of the stop codon, G replaced by A.
Molecular consequence: 3 prime UTR variant. On other transcripts: intron variant (3).
Genome position (GRCh38, 1-based): chr15:40,420,822, G>A. VCF-style: chr15-40420822-G-A. GRCh37 (hg19) VCF-style: chr15-40713021-G-A.
Other names: c.*2559G>A (NM_001159508.3, NM_001354597.3, NM_001354599.3); c.1226-3313G>A (NM_001354600.3); c.1139-3313G>A (NM_001354598.3); c.1138+4460G>A (NM_001354601.3).
Identifiers: ClinVar variation 315832 (VCV000315832.5), dbSNP rs532233403, ClinGen allele CA10641746.

ClinVar aggregate classification (germline): Likely benign (1 of 4 stars; one submission).

Conditions:
Isovaleryl-CoA dehydrogenase deficiency (IVA). Also called: ISOVALERIC ACID CoA DEHYDROGENASE DEFICIENCY; IVD DEFICIENCY; Isovaleric acidemia; Classic Isovaleric Acidemia. Identifiers: Orphanet 33, MedGen C0268575, MONDO:0009475, OMIM 243500.

Allele frequency attached by ClinVar (database versions not stated): TOPMed below 0.00001; gnomAD 0.00003; gnomAD exomes 0.00004; 1000 Genomes Project 0.00060; 1000 Genomes Project 30x 0.00062.
gnomAD v4.1: 35 of 985,516 alleles (0.0036%); highest among the groups gnomAD compares: South Asian, 0.14%; 1 homozygote.

Submission:

Illumina Laboratory Services, Illumina
Classification: Likely benign for Isovaleryl-CoA dehydrogenase deficiency. Last evaluated: 2018-01-13. Review status: criteria provided, single submitter. Criteria: ICSL Variant Classification Criteria 13 December 2019. Collection method: clinical testing. Allele origin: germline.
Comment: This variant was observed in the ICSL laboratory as part of a predisposition screen in an ostensibly healthy population. It had not been previously curated by ICSL or reported in the Human Gene Mutation Database (HGMD: prior to June 1st, 2018), and was therefore a candidate for classification through an automated scoring system. Utilizing variant allele frequency, disease prevalence and penetrance estimates, and inheritance mode, an automated score was calculated to assess if this variant is too frequent to cause the disease. Based on the score and internal cut-off values, a variant classified as likely benign is not then subjected to further curation. The score for this variant resulted in a classification of likely benign for this disease.